The following is an entry in ClinVar:

ClinVar aggregate classification (germline): Uncertain significance (1 of 4 stars; one submission).

Submission:

Labcorp Genetics (formerly Invitae), Labcorp
Classification: Uncertain significance for Ehlers-Danlos syndrome progeroid type. Last evaluated: 2022-08-10. Review status: criteria provided, single submitter. Criteria: Invitae Variant Classification Sherloc (09022015). Collection method: clinical testing. Allele origin: germline.
Comment: In summary, the available evidence is currently insufficient to determine the role of this variant in disease. Therefore, it has been classified as a Variant of Uncertain Significance. Algorithms developed to predict the effect of missense changes on protein structure and function are either unavailable or do not agree on the potential impact of this missense change (SIFT: "Deleterious"; PolyPhen-2: "Probably Damaging"; Align-GVGD: "Class C0"). ClinVar contains an entry for this variant (Variation ID: 1385151). This variant has not been reported in the literature in individuals affected with B4GALT7-related conditions. This variant is not present in population databases (gnomAD no frequency). This sequence change replaces phenylalanine, which is neutral and non-polar, with cysteine, which is neutral and slightly polar, at codon 149 of the B4GALT7 protein (p.Phe149Cys).

NM_007255.3(B4GALT7):c.446T>G (p.Phe149Cys)

Gene: B4GALT7 (beta-1,4-galactosyltransferase 7; plus strand). Cytogenetic location: 5q35.3.
Variant type: single nucleotide variant.
Coding change: c.446T>G on transcript NM_007255.3 (MANE Select); coding-DNA position 446, T replaced by G.
Protein change: p.Phe149Cys; replaces phenylalanine 149 with cysteine.
Molecular consequence: missense variant.
Genome position (GRCh38, 1-based): chr5:177,607,334, T>G. VCF-style: chr5-177607334-T-G. GRCh37 (hg19) VCF-style: chr5-177034335-T-G.
Other names: short protein forms F149C.
Identifiers: ClinVar variation 1385151 (VCV001385151.5), dbSNP rs2127513189, ClinGen allele CA362374972.